The following is an entry in ClinVar:

NM_172107.4(KCNQ2):c.2095A>G (p.Lys699Glu)

Gene: KCNQ2 (potassium voltage-gated channel subfamily Q member 2; minus strand). Cytogenetic location: 20q13.33.
Variant type: single nucleotide variant.
Coding change: c.2095A>G on transcript NM_172107.4 (MANE Select); coding-DNA position 2095, A replaced by G.
Protein change: p.Lys699Glu; replaces lysine 699 with glutamic acid.
Molecular consequence: missense variant.
Genome position (GRCh38, 1-based): chr20:63,407,168, T>C on the plus strand (A>G on the coding strand, the complement: KCNQ2 is on the minus strand). VCF-style: chr20-63407168-T-C. GRCh37 (hg19) VCF-style: chr20-62038521-T-C.
Other names: c.2095A>G (NM_172107.3); c.2149A>G, p.Lys717Glu (NM_001382235.1); c.2011A>G, p.Lys671Glu (NM_004518.6); c.2041A>G, p.Lys681Glu (NM_172106.3); c.2002A>G, p.Lys668Glu (NM_172108.5); short protein forms K668E, K671E, K681E, K699E, K717E.
Identifiers: ClinVar variation 1051022 (VCV001051022.10), dbSNP rs1426709866, ClinGen allele CA409639004.

ClinVar aggregate classification (germline): Uncertain significance. Review status: criteria provided, multiple submitters, no conflicts (2 of 4 stars). 3 submissions from 3 submitters: Uncertain significance (3). Last evaluated 2025-09-23.

Conditions:
Early-infantile DEE. Also called: Early infantile epileptic encephalopathy with suppression bursts; Early infantile epileptic encephalopathy; Ohtahara syndrome. Identifiers: Orphanet 1934, MedGen C0393706, MONDO:0800491.
KCNQ2-Related Disorders. Also called: KCNQ2-related disorder; KCNQ2-related condition. Identifiers: MedGen CN169299.

Allele frequency attached by ClinVar (database versions not stated): gnomAD exomes below 0.00001; TOPMed below 0.00001.
gnomAD v4.1: 1 of 1,602,006 alleles (0.000062%); highest among the groups gnomAD compares: Non-Finnish European, 0.000085%; no homozygotes.

Submissions (3):

PreventionGenetics, part of Exact Sciences
Classification: Uncertain significance for KCNQ2-related condition. Last evaluated: 2025-09-23. Review status: criteria provided, single submitter. Criteria: ACMG Guidelines, 2015. Collection method: clinical testing. Allele origin: germline.
Comment: The KCNQ2 c.2095A>G variant is predicted to result in the amino acid substitution p.Lys699Glu. To our knowledge, this variant has not been reported in the literature. This variant is reported in 0.00097% of alleles in individuals of European (Non-Finnish) descent in gnomAD. At this time, the clinical significance of this variant is uncertain due to the absence of conclusive functional and genetic evidence.

GeneDx
Classification: Uncertain significance. Last evaluated: 2022-02-23. Review status: criteria provided, single submitter. Criteria: GeneDx Variant Classification Process June 2021. Collection method: clinical testing. Allele origin: germline. Affected: yes.
Comment: Missense variants in this gene are often considered pathogenic (HGMD); In silico analysis supports that this missense variant does not alter protein structure/function; This substitution is predicted to be within the C-terminal cytoplasmic domain; Has not been previously published as pathogenic or benign to our knowledge

Labcorp Genetics (formerly Invitae), Labcorp
Classification: Uncertain significance for Early-infantile DEE. Last evaluated: 2021-12-06. Review status: criteria provided, single submitter. Criteria: Invitae Variant Classification Sherloc (09022015). Collection method: clinical testing. Allele origin: germline.
Comment: In summary, the available evidence is currently insufficient to determine the role of this variant in disease. Therefore, it has been classified as a Variant of Uncertain Significance. Advanced modeling of protein sequence and biophysical properties (such as structural, functional, and spatial information, amino acid conservation, physicochemical variation, residue mobility, and thermodynamic stability) performed at Invitae indicates that this missense variant is not expected to disrupt KCNQ2 protein function. ClinVar contains an entry for this variant (Variation ID: 1051022). This variant has not been reported in the literature in individuals affected with KCNQ2-related conditions. This variant is present in population databases (no rsID available, gnomAD 0.001%). This sequence change replaces lysine, which is basic and polar, with glutamic acid, which is acidic and polar, at codon 699 of the KCNQ2 protein (p.Lys699Glu).